The following is an entry in ClinVar:

NM_006206.6(PDGFRA):c.1468T>C (p.Phe490Leu)

Gene: PDGFRA (platelet derived growth factor receptor alpha; plus strand). Cytogenetic location: 4q12.
Variant type: single nucleotide variant.
Coding change: c.1468T>C on transcript NM_006206.6 (MANE Select); coding-DNA position 1468, T replaced by C.
Protein change: p.Phe490Leu; replaces phenylalanine 490 with leucine.
Molecular consequence: missense variant.
Genome position (GRCh38, 1-based): chr4:54,273,640, T>C. VCF-style: chr4-54273640-T-C. GRCh37 (hg19) VCF-style: chr4-55139807-T-C.
Other names: c.1468T>C, p.Phe490Leu (NM_001347827.2, NM_001347829.2); c.1543T>C, p.Phe515Leu (NM_001347828.2); c.1507T>C, p.Phe503Leu (NM_001347830.2); short protein forms F503L, F515L, F490L.
Identifiers: ClinVar variation 2105961 (VCV002105961.4), dbSNP rs2110292367, ClinGen allele CA356892625.

ClinVar aggregate classification (germline): Uncertain significance (1 of 4 stars; one submission).

Conditions:
Gastrointestinal stromal tumor. Also called: Gastrointestinal stroma tumor; Gastrointestinal stromal tumor, somatic. Identifiers: Orphanet 44890, MedGen C0238198, MeSH D046152, MONDO:0011719, OMIM 606764, HP:0100723.

Submission:

Labcorp Genetics (formerly Invitae), Labcorp
Classification: Uncertain significance for Gastrointestinal stromal tumor. Last evaluated: 2022-03-04. Review status: criteria provided, single submitter. Criteria: Invitae Variant Classification Sherloc (09022015). Collection method: clinical testing. Allele origin: germline.
Comment: Algorithms developed to predict the effect of missense changes on protein structure and function are either unavailable or do not agree on the potential impact of this missense change (SIFT: "Tolerated"; PolyPhen-2: "Probably Damaging"; Align-GVGD: "Class C0"). This sequence change replaces phenylalanine, which is neutral and non-polar, with leucine, which is neutral and non-polar, at codon 490 of the PDGFRA protein (p.Phe490Leu). This variant is not present in population databases (gnomAD no frequency). This variant has not been reported in the literature in individuals affected with PDGFRA-related conditions. In summary, the available evidence is currently insufficient to determine the role of this variant in disease. Therefore, it has been classified as a Variant of Uncertain Significance.